The following is an entry in ClinVar:

NM_199420.4(POLQ):c.4445G>C (p.Ser1482Thr)

Gene: POLQ (DNA polymerase theta; minus strand). Cytogenetic location: 3q13.33.
Variant type: single nucleotide variant.
Coding change: c.4445G>C on transcript NM_199420.4 (MANE Select); coding-DNA position 4445, G replaced by C.
Protein change: p.Ser1482Thr; replaces serine 1482 with threonine.
Molecular consequence: missense variant.
Genome position (GRCh38, 1-based): chr3:121,488,486, C>G on the plus strand (G>C on the coding strand, the complement: POLQ is on the minus strand). VCF-style: chr3-121488486-C-G. GRCh37 (hg19) VCF-style: chr3-121207333-C-G.
Other names: short protein forms S1482T.
Identifiers: ClinVar variation 3308611 (VCV003308611.1).

ClinVar aggregate classification (germline): Uncertain significance (1 of 4 stars; one submission).

Submission:

Ambry Genetics
Classification: Uncertain significance. Last evaluated: 2024-03-31. Review status: criteria provided, single submitter. Criteria: Ambry Variant Classification Scheme 2023. Collection method: clinical testing. Allele origin: germline.
Comment: The p.S1482T variant (also known as c.4445G>C), located in coding exon 16 of the POLQ gene, results from a G to C substitution at nucleotide position 4445. The serine at codon 1482 is replaced by threonine, an amino acid with similar properties. This amino acid position is conserved. In addition, this alteration is predicted to be tolerated by in silico analysis. Based on the available evidence, the clinical significance of this alteration remains unclear.